The following is an entry in ClinVar:

NM_139318.5(KCNH5):c.1808T>G (p.Val603Gly)

Gene: KCNH5 (potassium voltage-gated channel subfamily H member 5; minus strand). Cytogenetic location: 14q23.2.
Variant type: single nucleotide variant.
Coding change: c.1808T>G on transcript NM_139318.5 (MANE Select); coding-DNA position 1808, T replaced by G.
Protein change: p.Val603Gly; replaces valine 603 with glycine.
Molecular consequence: missense variant.
Genome position (GRCh38, 1-based): chr14:62,802,343, A>C on the plus strand (T>G on the coding strand, the complement: KCNH5 is on the minus strand). VCF-style: chr14-62802343-A-C. GRCh37 (hg19) VCF-style: chr14-63269061-A-C.
Other names: c.1808T>G, p.Val603Gly (NM_172375.3); short protein forms V603G.
Identifiers: ClinVar variation 3636100 (VCV003636100.2).

ClinVar aggregate classification (germline): Uncertain significance (1 of 4 stars; one submission).

Conditions:
Early-infantile DEE. Also called: Early infantile epileptic encephalopathy; Ohtahara syndrome; Early infantile epileptic encephalopathy with suppression bursts. Identifiers: Orphanet 1934, MedGen C0393706, MONDO:0800491.

Submission:

Labcorp Genetics (formerly Invitae), Labcorp
Classification: Uncertain significance for Early-infantile DEE. Last evaluated: 2024-12-02. Review status: criteria provided, single submitter. Criteria: Invitae Variant Classification Sherloc (09022015). Collection method: clinical testing. Allele origin: germline.
Comment: This sequence change replaces valine, which is neutral and non-polar, with glycine, which is neutral and non-polar, at codon 603 of the KCNH5 protein (p.Val603Gly). This variant is not present in population databases (gnomAD no frequency). This variant has not been reported in the literature in individuals affected with KCNH5-related conditions. Invitae Evidence Modeling of protein sequence and biophysical properties (such as structural, functional, and spatial information, amino acid conservation, physicochemical variation, residue mobility, and thermodynamic stability) indicates that this missense variant is expected to disrupt KCNH5 protein function with a positive predictive value of 95%. In summary, the available evidence is currently insufficient to determine the role of this variant in disease. Therefore, it has been classified as a Variant of Uncertain Significance.